The following is an entry in ClinVar:

NM_001386393.1(PANK2):c.1025A>C (p.Asp342Ala)

Gene: PANK2 (pantothenate kinase 2; plus strand). Cytogenetic location: 20p13.
Variant type: single nucleotide variant.
Coding change: c.1025A>C on transcript NM_001386393.1 (MANE Select); coding-DNA position 1025, A replaced by C.
Protein change: p.Asp342Ala; replaces aspartic acid 342 with alanine.
Molecular consequence: missense variant. On other transcripts: non-coding transcript variant (1).
Genome position (GRCh38, 1-based): chr20:3,912,577, A>C. VCF-style: chr20-3912577-A-C. GRCh37 (hg19) VCF-style: chr20-3893224-A-C.
Other names: c.482A>C, p.Asp161Ala (NM_001324191.2, NM_024960.6, NM_153640.4); c.47A>C, p.Asp16Ala (NM_001324193.2); c.1355A>C, p.Asp452Ala (NM_153638.4); short protein forms D161A, D342A, D16A, D452A.
Identifiers: ClinVar variation 2834194 (VCV002834194.3), dbSNP rs763496520, ClinGen allele CA311035732.

ClinVar aggregate classification (germline): Likely pathogenic (1 of 4 stars; one submission).

Conditions:
Pigmentary pallidal degeneration (NBIA1). Also called: PKAN NEUROAXONAL DYSTROPHY, JUVENILE-ONSET; HARP SYNDROME; Neurodegeneration with brain iron accumulation 1; Pantothenate Kinase-Associated Neurodegeneration; Neuroaxonal dystrophy, late infantile; Hallervorden-Spatz disease. Identifiers: Orphanet 157850, MedGen C0018523, MONDO:0009319, OMIM 234200.

Submission:

Labcorp Genetics (formerly Invitae), Labcorp
Classification: Likely pathogenic for Pigmentary pallidal degeneration. Last evaluated: 2023-09-24. Review status: criteria provided, single submitter. Criteria: Invitae Variant Classification Sherloc (09022015). Collection method: clinical testing. Allele origin: germline.
Comment: In summary, the currently available evidence indicates that the variant is pathogenic, but additional data are needed to prove that conclusively. Therefore, this variant has been classified as Likely Pathogenic. This variant disrupts the p.Asp452 amino acid residue in PANK2. Other variant(s) that disrupt this residue have been determined to be pathogenic (PMID: 28881514; Invitae). This suggests that this residue is clinically significant, and that variants that disrupt this residue are likely to be disease-causing. Advanced modeling of protein sequence and biophysical properties (such as structural, functional, and spatial information, amino acid conservation, physicochemical variation, residue mobility, and thermodynamic stability) performed at Invitae indicates that this missense variant is expected to disrupt PANK2 protein function. This variant has not been reported in the literature in individuals affected with PANK2-related conditions. This variant is not present in population databases (gnomAD no frequency). This sequence change replaces aspartic acid, which is acidic and polar, with alanine, which is neutral and non-polar, at codon 452 of the PANK2 protein (p.Asp452Ala).

Literature cited by the submitters: PubMed 28881514.